The following is an entry in ClinVar:

NM_000214.3(JAG1):c.1025_1026del (p.Leu341_Ser342insTer)

Gene: JAG1 (jagged canonical Notch ligand 1; minus strand). Cytogenetic location: 20p12.2.
Variant type: Microsatellite.
Coding change: c.1025_1026del on transcript NM_000214.3 (MANE Select); coding-DNA positions 1025 to 1026, 2 bases deleted (CT; older notation c.1025_1026delCT).
Protein change: p.Leu341_Ser342insTer.
Molecular consequence: nonsense.
Genome position (GRCh38, 1-based): chr20:10,651,675-10,651,676, AG deleted on the plus strand (CT on the coding strand, the reverse complement: JAG1 is on the minus strand); deleting any 2 consecutive bases within chr20:10,651,675-10,651,680 gives the same sequence; the c. name uses the placement nearest the transcript's 3' end. VCF-style (leftmost placement, unchanged base first): chr20-10651674-CAG-C. GRCh37 (hg19) VCF-style: chr20-10632322-CAG-C.
Identifiers: ClinVar variation 845173 (VCV000845173.7), dbSNP rs2067347395, ClinGen allele CA916083749.

ClinVar aggregate classification (germline): Pathogenic (1 of 4 stars; one submission).

Conditions:
Alagille syndrome due to a JAG1 point mutation. Also called: JAG1-Related Alagille Syndrome; Alagille Syndrome 1; HEPATIC DUCTULAR HYPOPLASIA, SYNDROMATIC. Identifiers: Orphanet 261619, Orphanet 52, MedGen C1956125, MONDO:0016862, OMIM 118450.

Submission:

Labcorp Genetics (formerly Invitae), Labcorp
Classification: Pathogenic for Alagille syndrome due to a JAG1 point mutation. Last evaluated: 2019-01-26. Review status: criteria provided, single submitter. Criteria: Invitae Variant Classification Sherloc (09022015). Collection method: clinical testing. Allele origin: germline.
Comment: For these reasons, this variant has been classified as Pathogenic. Loss-of-function variants in JAG1 are known to be pathogenic (PMID: 11180599). This variant has not been reported in the literature in individuals with JAG1-related conditions. This variant is not present in population databases (ExAC no frequency). This sequence change creates a premature translational stop signal (p.Ser342*) in the JAG1 gene. It is expected to result in an absent or disrupted protein product.

Literature cited by the submitters: PubMed 11180599.